The following is an entry in ClinVar:

ClinVar aggregate classification (germline): Uncertain significance. Review status: criteria provided, multiple submitters, no conflicts (2 of 4 stars). 6 submissions from 6 submitters: Uncertain significance (6). Last evaluated 2025-05-23.

Conditions:
Breast-ovarian cancer, familial, susceptibility to, 5 (BROVCA5). Identifiers: MedGen C5830615, MONDO:0957530, OMIM 620442.
Fanconi anemia complementation group N. Also called: PALB2-Related Fanconi Anemia. Identifiers: Orphanet 84, MedGen C1835817, MONDO:0012565, OMIM 610832. Disease mechanism: loss of function.
Pancreatic cancer, susceptibility to, 3. Identifiers: Orphanet 1333, MedGen C3150547, MONDO:0013236, OMIM 613348.
Hereditary cancer-predisposing syndrome. Also called: Tumor predisposition; Neoplastic Syndromes, Hereditary; Hereditary neoplastic syndrome; Hereditary Cancer Syndrome. Identifiers: Orphanet 140162, MedGen C0027672, MeSH D009386, MONDO:0015356.
Familial cancer of breast. Also called: BREAST CANCER, FAMILIAL; hereditary breast carcinoma; Hereditary breast cancer. Identifiers: Orphanet 227535, MedGen C0346153, MONDO:0016419, OMIM 114480. Disease mechanism: loss of function.

Allele frequency attached by ClinVar (database versions not stated): TOPMed below 0.00001; gnomAD 0.00001.
gnomAD v4.1: 1 of 1,614,020 alleles (0.000062%); highest among the groups gnomAD compares: Non-Finnish European, 0.000085%; no homozygotes.

Submissions (6):

Ambry Genetics
Classification: Uncertain significance for Hereditary cancer-predisposing syndrome. Last evaluated: 2025-05-23. Review status: criteria provided, single submitter. Criteria: Ambry Variant Classification Scheme 2023. Collection method: clinical testing. Allele origin: germline.
Comment: The p.S454F variant (also known as c.1361C>T), located in coding exon 4 of the PALB2 gene, results from a C to T substitution at nucleotide position 1361. The serine at codon 454 is replaced by phenylalanine, an amino acid with highly dissimilar properties. This amino acid position is well conserved in available vertebrate species. In addition, this alteration is predicted to be tolerated by in silico analysis. Since supporting evidence is limited at this time, the clinical significance of this alteration remains unclear.

Labcorp Genetics (formerly Invitae), Labcorp
Classification: Uncertain significance for Familial cancer of breast. Last evaluated: 2024-10-17. Review status: criteria provided, single submitter. Criteria: Invitae Variant Classification Sherloc (09022015). Collection method: clinical testing. Allele origin: germline.
Comment: This sequence change replaces serine, which is neutral and polar, with phenylalanine, which is neutral and non-polar, at codon 454 of the PALB2 protein (p.Ser454Phe). This variant is not present in population databases (gnomAD no frequency). This variant has not been reported in the literature in individuals affected with PALB2-related conditions. ClinVar contains an entry for this variant (Variation ID: 142948). Invitae Evidence Modeling of protein sequence and biophysical properties (such as structural, functional, and spatial information, amino acid conservation, physicochemical variation, residue mobility, and thermodynamic stability) indicates that this missense variant is not expected to disrupt PALB2 protein function with a negative predictive value of 80%. In summary, the available evidence is currently insufficient to determine the role of this variant in disease. Therefore, it has been classified as a Variant of Uncertain Significance.

Color Diagnostics, LLC DBA Color Health
Classification: Uncertain significance for Hereditary cancer-predisposing syndrome. Last evaluated: 2024-03-25. Review status: criteria provided, single submitter. Criteria: ACMG Guidelines, 2015. Collection method: clinical testing. Allele origin: germline.
Comment: This missense variant replaces serine with phenylalanine at codon 454 of the PALB2 protein. Computational prediction suggests that this variant may not impact protein structure and function. To our knowledge, functional studies have not been reported for this variant. This variant has not been reported in individuals affected with PALB2-related disorders in the literature. This variant has not been identified in the general population by the Genome Aggregation Database (gnomAD). The available evidence is insufficient to determine the role of this variant in disease conclusively. Therefore, this variant is classified as a Variant of Uncertain Significance.

Fulgent Genetics
Classification: Uncertain significance for Fanconi anemia complementation group N; Pancreatic cancer, susceptibility to, 3; Breast-ovarian cancer, familial, susceptibility to, 5. Last evaluated: 2024-01-26. Review status: criteria provided, single submitter. Criteria: ACMG Guidelines, 2015. Collection method: clinical testing. Allele origin: germline.

Sema4
Classification: Uncertain significance for Hereditary cancer-predisposing syndrome. Last evaluated: 2021-10-28. Review status: criteria provided, single submitter. Criteria: Sema4 Curation Guidelines. Collection method: curation. Allele origin: germline.
Comment: The PALB2 c.1361C>T (p.S454F) variant has not been reported in the literature to our knowledge. It was not observed in the large and broad cohorts of the Genome Aggregation Database. The variant has been reported in ClinVar (Variation ID 142948). Functional studies have not been performed, and in silico predictions of the variant's effect on protein function are inconclusive. The evidence is insufficient to meet ACMG/AMP criteria for classifying the variant as benign or pathogenic. Thus, the clinical significance of this variant is currently uncertain.

Women's Health and Genetics/Laboratory Corporation of America, LabCorp
Classification: Uncertain significance. Last evaluated: 2016-02-23. Review status: criteria provided, single submitter. Criteria: LabCorp Variant Classification Summary - May 2015. Collection method: clinical testing. Allele origin: germline.

NM_024675.4(PALB2):c.1361C>T (p.Ser454Phe)

Gene: PALB2 (partner and localizer of BRCA2; minus strand). Cytogenetic location: 16p12.2.
Variant type: single nucleotide variant.
Coding change: c.1361C>T on transcript NM_024675.4 (MANE Select); coding-DNA position 1361, C replaced by T.
Protein change: p.Ser454Phe; replaces serine 454 with phenylalanine.
Molecular consequence: missense variant.
Genome position (GRCh38, 1-based): chr16:23,635,185, G>A on the plus strand (C>T on the coding strand, the complement: PALB2 is on the minus strand). VCF-style: chr16-23635185-G-A. GRCh37 (hg19) VCF-style: chr16-23646506-G-A.
Other names: short protein forms S454F.
Identifiers: ClinVar variation 142948 (VCV000142948.20), dbSNP rs587782842, ClinGen allele CA169842.